The following is an entry in ClinVar:

NM_016495.6(TBC1D7):c.449A>G (p.Asp150Gly)

Genes: TBC1D7 (TBC1 domain family member 7; minus strand), TBC1D7-LOC100130357 (TBC1D7-LOC100130357 readthrough; minus strand). Cytogenetic location: 6p24.1.
Variant type: single nucleotide variant.
Coding change: c.449A>G on transcript NM_016495.6 (MANE Select); coding-DNA position 449, A replaced by G.
Protein change: p.Asp150Gly; replaces aspartic acid 150 with glycine.
Molecular consequence: missense variant. On other transcripts: non-coding transcript variant (1), intron variant (1).
Genome position (GRCh38, 1-based): chr6:13,316,641, T>C on the plus strand (A>G on the coding strand, the complement: TBC1D7 is on the minus strand). VCF-style: chr6-13316641-T-C. GRCh37 (hg19) VCF-style: chr6-13316873-T-C.
Other names: c.449A>G, p.Asp150Gly (NM_001318809.2, NM_001143964.4, NM_001143965.4 and 1 more transcripts); c.368A>G, p.Asp123Gly (NM_001143966.4); c.381+4267A>G (NM_001258457.3); short protein forms D123G, D150G.
Identifiers: ClinVar variation 1722906 (VCV001722906.2), dbSNP rs567022399, ClinGen allele CA3639745.

ClinVar aggregate classification (germline): Uncertain significance (1 of 4 stars; one submission).

Allele frequency attached by ClinVar (database versions not stated): gnomAD 0.00001; ExAC 0.00002; gnomAD exomes 0.00002; 1000 Genomes Project 30x 0.00016; 1000 Genomes Project 0.00020.
gnomAD v4.1: 30 of 1,613,968 alleles (0.0019%); highest among the groups gnomAD compares: South Asian, 0.03%; no homozygotes.

Submission:

GeneDx
Classification: Uncertain significance. Last evaluated: 2022-05-05. Review status: criteria provided, single submitter. Criteria: GeneDx Variant Classification Process June 2021. Collection method: clinical testing. Allele origin: germline. Affected: yes.
Comment: In silico analysis supports that this missense variant has a deleterious effect on protein structure/function; Has not been previously published as pathogenic or benign to our knowledge